The following is an entry in ClinVar:

ClinVar aggregate classification (germline): Likely benign. Review status: criteria provided, multiple submitters, no conflicts (2 of 4 stars). 3 submissions from 3 submitters: Likely benign (3). Last evaluated 2025-10-15.

Conditions:
Charcot-Marie-Tooth disease axonal type 2O. Also called: Charcot-Marie-Tooth Neuropathy Type 2O; CHARCOT-MARIE-TOOTH NEUROPATHY, AXONAL, TYPE 2O; CHARCOT-MARIE-TOOTH DISEASE, AXONAL, AUTOSOMAL DOMINANT, TYPE 2O; Charcot-Marie-Tooth disease, axonal, type 20. Identifiers: Orphanet 284232, MedGen C3280220, MONDO:0013644, OMIM 614228.

Allele frequency attached by ClinVar (database versions not stated): gnomAD 0.00001; gnomAD exomes 0.00001; TOPMed 0.00001; ExAC 0.00002.
gnomAD v4.1: 17 of 1,614,076 alleles (0.0011%); highest among the groups gnomAD compares: Non-Finnish European, 0.0013%; no homozygotes.

Submissions (3):

Labcorp Genetics (formerly Invitae), Labcorp
Classification: Likely benign for Charcot-Marie-Tooth disease axonal type 2O. Last evaluated: 2025-10-15. Review status: criteria provided, single submitter. Criteria: Invitae Variant Classification Sherloc (09022015). Collection method: clinical testing. Allele origin: germline.

Blueprint Genetics
Classification: Likely benign. Last evaluated: 2023-04-03. Review status: criteria provided, single submitter. Criteria: ACMG Guidelines, 2015. Collection method: clinical testing. Allele origin: germline.

GeneDx
Classification: Likely benign. Last evaluated: 2016-07-19. Review status: criteria provided, single submitter. Criteria: GeneDx Variant Classification (06012015). Collection method: clinical testing. Allele origin: germline. Affected: yes.
Comment: This variant is considered likely benign or benign based on one or more of the following criteria: it is a conservative change, it occurs at a poorly conserved position in the protein, it is predicted to be benign by multiple in silico algorithms, and/or has population frequency not consistent with disease.

NM_001376.5(DYNC1H1):c.1191C>T (p.Gly397=)

Gene: DYNC1H1 (dynein cytoplasmic 1 heavy chain 1; plus strand). Cytogenetic location: 14q32.31.
Variant type: single nucleotide variant.
Coding change: c.1191C>T on transcript NM_001376.5 (MANE Select); coding-DNA position 1191, C replaced by T.
Protein change: p.Gly397=; no amino-acid change (glycine 397 retained).
Molecular consequence: synonymous variant.
Genome position (GRCh38, 1-based): chr14:101,983,248, C>T. VCF-style: chr14-101983248-C-T. GRCh37 (hg19) VCF-style: chr14-102449585-C-T.
Identifiers: ClinVar variation 387284 (VCV000387284.10), dbSNP rs750305144, ClinGen allele CA7351651.